The following is an entry in ClinVar:

NM_015089.4(CUL9):c.318C>A (p.Gly106=)

Gene: CUL9 (cullin 9; plus strand). Cytogenetic location: 6p21.1.
Variant type: single nucleotide variant.
Coding change: c.318C>A on transcript NM_015089.4 (MANE Select); coding-DNA position 318, C replaced by A.
Protein change: p.Gly106=; no amino-acid change (glycine 106 retained).
Molecular consequence: synonymous variant.
Genome position (GRCh38, 1-based): chr6:43,184,628, C>A. VCF-style: chr6-43184628-C-A. GRCh37 (hg19) VCF-style: chr6-43152366-C-A.
Identifiers: ClinVar variation 3037257 (VCV003037257.2), dbSNP rs41274928, ClinGen allele CA3817040.

ClinVar aggregate classification (germline): Benign (0 of 4 stars; one submission).

Conditions:
CUL9-related disorder. Also called: CUL9-related condition.

Allele frequency attached by ClinVar (database versions not stated): ExAC 0.03439; gnomAD 0.04839; 1000 Genomes Project 0.04952; TOPMed 0.05105; 1000 Genomes Project 30x 0.05137; ESP Exome Variant Server 0.05582.
gnomAD v4.1: 51,670 of 1,611,800 alleles (3.2%); highest among the groups gnomAD compares: African/African-American, 11%; 1,129 homozygotes.

Submission:

PreventionGenetics, part of Exact Sciences
Classification: Benign for CUL9-related condition. Last evaluated: 2019-12-20. Review status: no assertion criteria provided. Collection method: clinical testing. Allele origin: germline.
Comment: This variant is classified as benign based on ACMG/AMP sequence variant interpretation guidelines (Richards et al. 2015 PMID: 25741868, with internal and published modifications).